The following is an entry in ClinVar:

NM_000179.3(MSH6):c.1060G>A (p.Gly354Arg)

Gene: MSH6 (mutS homolog 6; plus strand). Cytogenetic location: 2p16.3.
Variant type: single nucleotide variant.
Coding change: c.1060G>A on transcript NM_000179.3 (MANE Select); coding-DNA position 1060, G replaced by A.
Protein change: p.Gly354Arg; replaces glycine 354 with arginine.
Molecular consequence: missense variant. On other transcripts: non-coding transcript variant (4), intron variant (1).
Genome position (GRCh38, 1-based): chr2:47,799,043, G>A. VCF-style: chr2-47799043-G-A. GRCh37 (hg19) VCF-style: chr2-48026182-G-A.
Other names: c.670G>A, p.Gly224Arg (NM_001281492.2); c.154G>A, p.Gly52Arg (NM_001281493.2, NM_001281494.2, NM_001406811.1 and 6 more transcripts); c.1156G>A, p.Gly386Arg (NM_001406795.1, NM_001406802.1); c.1060G>A, p.Gly354Arg (NM_001406796.1, NM_001406798.1, NM_001406800.1 and 4 more transcripts); c.763G>A, p.Gly255Arg (NM_001406797.1, NM_001406801.1, NM_001406805.1 and 10 more transcripts); c.535G>A, p.Gly179Arg (NM_001406799.1, NM_001406806.1, NM_001406807.1); c.982G>A, p.Gly328Arg (NM_001406804.1); c.1066G>A, p.Gly356Arg (NM_001406813.1); and 2 more; short protein forms G179R, G255R, G386R, G52R, G224R, G298R, G328R, G354R.
Identifiers: ClinVar variation 2997939 (VCV002997939.4), dbSNP rs1558660310, ClinGen allele CA346741604.

ClinVar aggregate classification (germline): Uncertain significance. Review status: criteria provided, multiple submitters, no conflicts (2 of 4 stars). 2 submissions from 2 submitters: Uncertain significance (2). Last evaluated 2025-02-19.

Conditions:
Hereditary nonpolyposis colorectal neoplasms. Identifiers: MedGen C0009405, MeSH D003123.

Submissions (2):

Labcorp Genetics (formerly Invitae), Labcorp
Classification: Uncertain significance for Hereditary nonpolyposis colorectal neoplasms. Last evaluated: 2025-02-19. Review status: criteria provided, single submitter. Criteria: Invitae Variant Classification Sherloc (09022015). Collection method: clinical testing. Allele origin: germline.
Comment: This sequence change replaces glycine, which is neutral and non-polar, with arginine, which is basic and polar, at codon 354 of the MSH6 protein (p.Gly354Arg). This variant is not present in population databases (gnomAD no frequency). This variant has not been reported in the literature in individuals affected with MSH6-related conditions. ClinVar contains an entry for this variant (Variation ID: 2997939). Invitae Evidence Modeling of protein sequence and biophysical properties (such as structural, functional, and spatial information, amino acid conservation, physicochemical variation, residue mobility, and thermodynamic stability) indicates that this missense variant is not expected to disrupt MSH6 protein function with a negative predictive value of 95%. In summary, the available evidence is currently insufficient to determine the role of this variant in disease. Therefore, it has been classified as a Variant of Uncertain Significance.

GeneDx
Classification: Uncertain significance. Last evaluated: 2024-12-18. Review status: criteria provided, single submitter. Criteria: GeneDx Variant Classification Process June 2021. Collection method: clinical testing. Allele origin: germline. Affected: yes.
Comment: Not observed at significant frequency in large population cohorts (gnomAD); In silico analysis indicates that this missense variant does not alter protein structure/function; Has not been previously published as pathogenic or benign to our knowledge; This variant is associated with the following publications: (PMID: 21437237)